The following is an entry in ClinVar:

NM_205836.3(FBXO38):c.3446C>T (p.Thr1149Ile)

Gene: FBXO38 (F-box protein 38; plus strand). Cytogenetic location: 5q32.
Variant type: single nucleotide variant.
Coding change: c.3446C>T on transcript NM_205836.3 (MANE Select); coding-DNA position 3446, C replaced by T.
Protein change: p.Thr1149Ile; replaces threonine 1149 with isoleucine.
Molecular consequence: missense variant.
Genome position (GRCh38, 1-based): chr5:148,442,026, C>T. VCF-style: chr5-148442026-C-T. GRCh37 (hg19) VCF-style: chr5-147821589-C-T.
Other names: c.2711C>T, p.Thr904Ile (NM_001271723.2); c.3221C>T, p.Thr1074Ile (NM_030793.5); short protein forms T1149I, T1074I, T904I.
Identifiers: ClinVar variation 1473840 (VCV001473840.6), dbSNP rs2113673143, ClinGen allele CA361661646.

ClinVar aggregate classification (germline): Uncertain significance (1 of 4 stars; one submission).

Conditions:
Distal hereditary motor neuropathy type 2. Identifiers: Orphanet 139525, MedGen C3711384, MeSH C580044, MONDO:0015352.

Submission:

Labcorp Genetics (formerly Invitae), Labcorp
Classification: Uncertain significance for Distal hereditary motor neuropathy type 2. Last evaluated: 2021-09-06. Review status: criteria provided, single submitter. Criteria: Invitae Variant Classification Sherloc (09022015). Collection method: clinical testing. Allele origin: germline.
Comment: In summary, the available evidence is currently insufficient to determine the role of this variant in disease. Therefore, it has been classified as a Variant of Uncertain Significance. Algorithms developed to predict the effect of missense changes on protein structure and function (SIFT, PolyPhen-2, Align-GVGD) all suggest that this variant is likely to be disruptive. This variant has not been reported in the literature in individuals affected with FBXO38-related conditions. This variant is not present in population databases (ExAC no frequency). This sequence change replaces threonine with isoleucine at codon 1074 of the FBXO38 protein (p.Thr1074Ile). The threonine residue is highly conserved and there is a moderate physicochemical difference between threonine and isoleucine.